The following is an entry in ClinVar:

NM_018429.3(BDP1):c.3043A>C (p.Thr1015Pro)

Gene: BDP1 (BDP1 general transcription factor IIIB subunit; plus strand). Cytogenetic location: 5q13.2.
Variant type: single nucleotide variant.
Coding change: c.3043A>C on transcript NM_018429.3 (MANE Select); coding-DNA position 3043, A replaced by C.
Protein change: p.Thr1015Pro; replaces threonine 1015 with proline.
Molecular consequence: missense variant.
Genome position (GRCh38, 1-based): chr5:71,510,135, A>C. VCF-style: chr5-71510135-A-C. GRCh37 (hg19) VCF-style: chr5-70805962-A-C.
Other names: short protein forms T1015P.
Identifiers: ClinVar variation 1232100 (VCV001232100.6), dbSNP rs187541686, ClinGen allele CA3296405.

ClinVar aggregate classification (germline): Conflicting classifications of pathogenicity. Review status: criteria provided, conflicting classifications (1 of 4 stars). 3 submissions from 3 submitters: Uncertain significance (1); Benign (1). 1 of the submissions does not count toward it. Last evaluated 2025-08-26.

Conditions:
BDP1-related disorder. Also called: BDP1-related condition.

Allele frequency attached by ClinVar (database versions not stated): 1000 Genomes Project 0.00040; 1000 Genomes Project 30x 0.00047; TOPMed 0.00179; ESP Exome Variant Server 0.00270.
gnomAD v4.1: 425 of 1,614,028 alleles (0.026%); highest among the groups gnomAD compares: African/African-American, 0.49%; 1 homozygote.

Submissions (3):

Ambry Genetics
Classification: Uncertain significance. Last evaluated: 2025-08-26. Review status: criteria provided, single submitter. Criteria: Ambry Variant Classification Scheme 2023. Collection method: clinical testing. Allele origin: germline.

GeneDx
Classification: Benign. Last evaluated: 2019-04-23. Review status: criteria provided, single submitter. Criteria: GeneDx Variant Classification Process June 2021. Collection method: clinical testing. Allele origin: germline. Affected: yes.

PreventionGenetics, part of Exact Sciences
Classification: Likely benign for BDP1-related condition. Last evaluated: 2019-06-14. Review status: no assertion criteria provided. Collection method: clinical testing. Allele origin: germline. Not counted in ClinVar's aggregate classification.
Comment: This variant is classified as likely benign based on ACMG/AMP sequence variant interpretation guidelines (Richards et al. 2015 PMID: 25741868, with internal and published modifications).